The following is an entry in ClinVar:

NM_015335.5(MED13L):c.1748A>G (p.Tyr583Cys)

Gene: MED13L (mediator complex subunit 13L; minus strand). Cytogenetic location: 12q24.21.
Variant type: single nucleotide variant.
Coding change: c.1748A>G on transcript NM_015335.5 (MANE Select); coding-DNA position 1748, A replaced by G.
Protein change: p.Tyr583Cys; replaces tyrosine 583 with cysteine.
Molecular consequence: missense variant.
Genome position (GRCh38, 1-based): chr12:116,008,665, T>C on the plus strand (A>G on the coding strand, the complement: MED13L is on the minus strand). VCF-style: chr12-116008665-T-C. GRCh37 (hg19) VCF-style: chr12-116446470-T-C.
Other names: short protein forms Y583C.
Identifiers: ClinVar variation 5019223 (VCV005019223.2).

ClinVar aggregate classification (germline): Uncertain significance (1 of 4 stars; one submission).

Conditions:
Cardiac anomalies - developmental delay - facial dysmorphism syndrome (MRFACD). Also called: Impaired intellectual development and distinctive facial features with or without cardiac defects; MED13L Syndrome. Identifiers: Orphanet 369891, MedGen C5192431, MONDO:0014773, OMIM 616789.

Submission:

Juno Genomics, Hangzhou Juno Genomics, Inc
Classification: Uncertain significance for Cardiac anomalies - developmental delay - facial dysmorphism syndrome. Review status: criteria provided, single submitter. Criteria: ACMG Guidelines, 2015. Collection method: clinical testing. Allele origin: germline.
Comment: Absent from controls (or at extremely low frequency if recessive) in Genome Aggregation Database.;Missense variant in a gene that has a low rate of benign missense variation.